The following is an entry in ClinVar:

ClinVar aggregate classification (germline): Uncertain significance (1 of 4 stars; one submission).

Conditions:
Generalized epilepsy-paroxysmal dyskinesia syndrome (PNKD3). Also called: Paroxysmal nonkinesigenic dyskinesia, 3, with or without generalized epilepsy; Generalized epilepsy and paroxysmal dyskinesia. Identifiers: Orphanet 79137, MedGen C5574945, MONDO:0012276, OMIM 609446.

Allele frequency attached by ClinVar (database versions not stated): gnomAD 0.00001; TOPMed 0.00001.

Submission:

Labcorp Genetics (formerly Invitae), Labcorp
Classification: Uncertain significance for Generalized epilepsy-paroxysmal dyskinesia syndrome. Last evaluated: 2023-05-27. Review status: criteria provided, single submitter. Criteria: Invitae Variant Classification Sherloc (09022015). Collection method: clinical testing. Allele origin: germline.
Comment: This variant is not present in population databases (gnomAD no frequency). In summary, the available evidence is currently insufficient to determine the role of this variant in disease. Therefore, it has been classified as a Variant of Uncertain Significance. An algorithm developed to predict the effect of missense changes on protein structure and function (PolyPhen-2) suggests that this variant is likely to be tolerated. ClinVar contains an entry for this variant (Variation ID: 1520329). This variant has not been reported in the literature in individuals affected with KCNMA1-related conditions. This sequence change replaces glycine, which is neutral and non-polar, with arginine, which is basic and polar, at codon 122 of the KCNMA1 protein (p.Gly122Arg).

NM_001161352.2(KCNMA1):c.364G>A (p.Gly122Arg)

Gene: KCNMA1 (potassium calcium-activated channel subfamily M alpha 1; minus strand). Cytogenetic location: 10q22.3.
Variant type: single nucleotide variant.
Coding change: c.364G>A on transcript NM_001161352.2 (MANE Select); coding-DNA position 364, G replaced by A.
Protein change: p.Gly122Arg; replaces glycine 122 with arginine.
Molecular consequence: missense variant.
Genome position (GRCh38, 1-based): chr10:77,637,279, C>T on the plus strand (G>A on the coding strand, the complement: KCNMA1 is on the minus strand). VCF-style: chr10-77637279-C-T. GRCh37 (hg19) VCF-style: chr10-79397037-C-T.
Other names: c.364G>A, p.Gly122Arg (NM_001014797.3, NM_001161353.2, NM_001271518.2 and 12 more transcripts); short protein forms G122R.
Identifiers: ClinVar variation 1520329 (VCV001520329.6), dbSNP rs1167824169, ClinGen allele CA377412196.
Genomic context (GRCh38, chr10:77,637,279, plus strand): 5'-AGCGGTGGGGCTGGCGCAGAGGGCGGGCGCCCGGGGCGCGCGTTACCTTCGTCTTGCCCC[C>T]GCAGTGGCAGCACACGGTCCACAGGTACTTGAGCGTCCGCCAGAGCAAGATGATGAAGAG-3'
Protein context (NP_001154824.1, residues 112-132): KYLWTVCCHC[Gly122Arg]GKTKEAQKIN